The following is an entry in ClinVar:

ClinVar aggregate classification (germline): Likely benign. Review status: criteria provided, multiple submitters, no conflicts (2 of 4 stars). 4 submissions from 4 submitters: Likely benign (4). Last evaluated 2024-03-05.

Conditions:
Cardiovascular phenotype. Identifiers: MedGen CN230736.
Cardiac arrhythmia. Also called: Cardiac rhythm disease; Arrhythmia. Identifiers: MedGen C0003811, MONDO:0007263, HP:0011675.
Long QT syndrome (LQTS). Identifiers: MedGen C0023976, MeSH D008133, MONDO:0002442. Disease mechanism: loss of function. Inheritance: Various modes of inheritance.

Allele frequency attached by ClinVar (database versions not stated): gnomAD exomes below 0.00001.
gnomAD v4.1: 2 of 1,614,212 alleles (0.00012%); highest among the groups gnomAD compares: Non-Finnish European, 0.000085%; no homozygotes.

Submissions (4):

All of Us Research Program, National Institutes of Health
Classification: Likely benign for Long QT syndrome. Last evaluated: 2024-03-05. Review status: criteria provided, single submitter. Criteria: ACMG Guidelines, 2015. Collection method: clinical testing. Allele origin: germline. Inheritance: Autosomal dominant inheritance. Observed: 1 variant allele, 1 heterozygote.
Comment: This study involves interpretation of variants in research participants for the purpose of population health screening. Participant phenotype was not available at the time of variant classification. Additional details can be found in publication PMID: 35346344, PMCID: PMC8962531

Ambry Genetics
Classification: Likely benign for Cardiovascular phenotype. Last evaluated: 2022-05-24. Review status: criteria provided, single submitter. Criteria: Ambry Variant Classification Scheme 2023. Collection method: clinical testing. Allele origin: germline.

Labcorp Genetics (formerly Invitae), Labcorp
Classification: Likely benign for Long QT syndrome. Last evaluated: 2020-03-04. Review status: criteria provided, single submitter. Criteria: Invitae Variant Classification Sherloc (09022015). Collection method: clinical testing. Allele origin: germline.

Color Diagnostics, LLC DBA Color Health
Classification: Likely benign for Arrhythmia. Last evaluated: 2018-11-08. Review status: criteria provided, single submitter. Criteria: ACMG Guidelines, 2015. Collection method: clinical testing. Allele origin: germline.

NM_000238.4(KCNH2):c.1812C>T (p.Gly604=)

Gene: KCNH2 (potassium voltage-gated channel subfamily H member 2; minus strand). Cytogenetic location: 7q36.1.
Variant type: single nucleotide variant.
Coding change: c.1812C>T on transcript NM_000238.4 (MANE Select); coding-DNA position 1812, C replaced by T.
Protein change: p.Gly604=; no amino-acid change (glycine 604 retained).
Molecular consequence: synonymous variant. On other transcripts: non-coding transcript variant (2).
Genome position (GRCh38, 1-based): chr7:150,951,581, G>A on the plus strand (C>T on the coding strand, the complement: KCNH2 is on the minus strand). VCF-style: chr7-150951581-G-A. GRCh37 (hg19) VCF-style: chr7-150648669-G-A.
Other names: c.792C>T, p.Gly264= (NM_001204798.2, NM_172057.3); c.1524C>T, p.Gly508= (NM_001406753.1, NM_001406756.1); c.1635C>T, p.Gly545= (NM_001406755.1); c.1512C>T, p.Gly504= (NM_001406757.1); c.1812C>T, p.Gly604= (NM_172056.3).
Identifiers: ClinVar variation 926709 (VCV000926709.16), dbSNP rs1801165070, ClinGen allele CA458871515.
Genomic context (GRCh38, chr7:150,951,581, plus strand): 5'-ACTGGTGAGGCTGCTGAAGGTGAAGTAGAGCGCCGTCACATACTTGTCCTTGATGGAGGG[G>A]CCGCCCAGGCCGCTGCTGTTGTAGGGTTTGCCTATCTGGTCGCCCAGGTTGTGCAGCCAG-3'
Protein context (NP_000229.1, residues 594-614): GKPYNSSGLG[Gly604=]PSIKDKYVTA